The following is an entry in ClinVar:

NM_001184.4(ATR):c.3538A>G (p.Thr1180Ala)

Gene: ATR (ATR checkpoint kinase; minus strand). Cytogenetic location: 3q23.
Variant type: single nucleotide variant.
Coding change: c.3538A>G on transcript NM_001184.4 (MANE Select); coding-DNA position 3538, A replaced by G.
Protein change: p.Thr1180Ala; replaces threonine 1180 with alanine.
Molecular consequence: missense variant.
Genome position (GRCh38, 1-based): chr3:142,540,947, T>C on the plus strand (A>G on the coding strand, the complement: ATR is on the minus strand). VCF-style: chr3-142540947-T-C. GRCh37 (hg19) VCF-style: chr3-142259789-T-C.
Other names: c.3346A>G, p.Thr1116Ala (NM_001354579.2); short protein forms T1180A, T1116A.
Identifiers: ClinVar variation 2567808 (VCV002567808.2), dbSNP rs2108438096, ClinGen allele CA354807783.

ClinVar aggregate classification (germline): Uncertain significance (1 of 4 stars; one submission).

Conditions:
Inborn genetic diseases. Identifiers: MedGen C0950123, MeSH D030342.

Submission:

Ambry Genetics
Classification: Uncertain significance for Inborn genetic diseases. Last evaluated: 2023-04-09. Review status: criteria provided, single submitter. Criteria: Ambry Variant Classification Scheme 2023. Collection method: clinical testing. Allele origin: germline.
Comment: The p.T1180A variant (also known as c.3538A>G), located in coding exon 18 of the ATR gene, results from an A to G substitution at nucleotide position 3538. The threonine at codon 1180 is replaced by alanine, an amino acid with similar properties. This amino acid position is conserved. In addition, the in silico prediction for this alteration is inconclusive. Since supporting evidence is limited at this time, the clinical significance of this alteration remains unclear.